The following is an entry in ClinVar:

NM_138477.4(CDAN1):c.2597T>C (p.Val866Ala)

Gene: CDAN1 (codanin 1; minus strand). Cytogenetic location: 15q15.2.
Variant type: single nucleotide variant.
Coding change: c.2597T>C on transcript NM_138477.4 (MANE Select); coding-DNA position 2597, T replaced by C.
Protein change: p.Val866Ala; replaces valine 866 with alanine.
Molecular consequence: missense variant.
Genome position (GRCh38, 1-based): chr15:42,729,071, A>G on the plus strand (T>C on the coding strand, the complement: CDAN1 is on the minus strand). VCF-style: chr15-42729071-A-G. GRCh37 (hg19) VCF-style: chr15-43021269-A-G.
Other names: short protein forms V866A.
Identifiers: ClinVar variation 4685998 (VCV004685998.1).

ClinVar aggregate classification (germline): Uncertain significance (1 of 4 stars; one submission).

Conditions:
Anemia, congenital dyserythropoietic, type 1a (CDAN1A). Also called: CDAN1-Related Congenital Dyserythropoietic Anemia; DYSERYTHROPOIETIC ANEMIA, CONGENITAL, TYPE Ia. Identifiers: MedGen C5574667, MONDO:0009135, OMIM 224120.

gnomAD v4.1: 1 of 1,614,178 alleles (0.000062%); highest among the groups gnomAD compares: East Asian, 0.0022%; no homozygotes.

Submission:

ARUP Laboratories, Molecular Genetics and Genomics, ARUP Laboratories
Classification: Uncertain significance for Anemia, congenital dyserythropoietic, type 1a. Last evaluated: 2025-01-15. Review status: criteria provided, single submitter. Criteria: ARUP Molecular Germline Variant Investigation Process 2024. Collection method: clinical testing. Allele origin: germline.
Comment: The CDAN1 c.2597T>C; p.Val866Ala variant, to our knowledge, is not reported in the medical literature or gene specific databases. This variant is also absent from the Genome Aggregation Database (v2.1.1), indicating it is not a common polymorphism. Computational analyses predict that this variant is deleterious (REVEL: 0.819). Due to limited information, the clinical significance of this variant is uncertain at this time.